The following is an entry in ClinVar:

NM_000400.4(ERCC2):c.1831+2_1831+13del

Gene: ERCC2 (ERCC excision repair 2, TFIIH core complex helicase subunit; minus strand). Cytogenetic location: 19q13.32.
Variant type: Deletion.
Coding change: c.1831+2_1831+13del on transcript NM_000400.4 (MANE Select); the canonical splice donor site of the intron after coding-DNA position 1831 through 13 bases into the intron after coding-DNA position 1831, 12 bases deleted (TGAGTGGACTGG).
Molecular consequence: splice donor variant.
Genome position (GRCh38, 1-based): chr19:45,353,070-45,353,081, CCAGTCCACTCA deleted on the plus strand (TGAGTGGACTGG on the coding strand, the reverse complement: ERCC2 is on the minus strand); deleting any 12 consecutive bases within chr19:45,353,070-45,353,084 gives the same sequence; the c. name uses the placement nearest the transcript's 3' end. VCF-style (leftmost placement, unchanged base first): chr19-45353069-CCCAGTCCACTCA-C. GRCh37 (hg19) VCF-style: chr19-45856327-CCCAGTCCACTCA-C.
Identifiers: ClinVar variation 1493674 (VCV001493674.6), dbSNP rs2123227881, ClinGen allele CA2573156456.

ClinVar aggregate classification (germline): Likely pathogenic (1 of 4 stars; one submission).

Submission:

Labcorp Genetics (formerly Invitae), Labcorp
Classification: Likely pathogenic. Last evaluated: 2022-08-09. Review status: criteria provided, single submitter. Criteria: Invitae Variant Classification Sherloc (09022015). Collection method: clinical testing. Allele origin: germline.
Comment: ClinVar contains an entry for this variant (Variation ID: 1493674). This variant has not been reported in the literature in individuals affected with ERCC2-related conditions. This variant is not present in population databases (gnomAD no frequency). This sequence change affects a splice site in intron 19 of the ERCC2 gene. It is expected to disrupt RNA splicing. Variants that disrupt the donor or acceptor splice site typically lead to a loss of protein function (PMID: 16199547), and loss-of-function variants in ERCC2 are known to be pathogenic (PMID: 9238033, 11335038, 19085937, 19934020). Algorithms developed to predict the effect of sequence changes on RNA splicing suggest that this variant may disrupt the consensus splice site. In summary, the currently available evidence indicates that the variant is pathogenic, but additional data are needed to prove that conclusively. Therefore, this variant has been classified as Likely Pathogenic.

Literature cited by the submitters: PubMed 16199547; PubMed 9238033; PubMed 11335038; PubMed 19085937; PubMed 19934020.